The following is an entry in ClinVar:

NM_004104.5(FASN):c.5582C>T (p.Pro1861Leu)

Gene: FASN (fatty acid synthase; minus strand). Cytogenetic location: 17q25.3.
Variant type: single nucleotide variant.
Coding change: c.5582C>T on transcript NM_004104.5 (MANE Select); coding-DNA position 5582, C replaced by T.
Protein change: p.Pro1861Leu; replaces proline 1861 with leucine.
Molecular consequence: missense variant.
Genome position (GRCh38, 1-based): chr17:82,083,099, G>A on the plus strand (C>T on the coding strand, the complement: FASN is on the minus strand). VCF-style: chr17-82083099-G-A. GRCh37 (hg19) VCF-style: chr17-80040975-G-A.
Other names: c.5582C>T (NM_004104.4); short protein forms P1861L.
Identifiers: ClinVar variation 998841 (VCV000998841.8), dbSNP rs756983531, ClinGen allele CA8851625.
Genomic context (GRCh38, chr17:82,083,099, plus strand): 5'-CAGAAGGTCTTGGAGATGGCCGACATCAGCTTGGGTTTGGCCCCCTTCAGCACTGCCTCC[G>A]GCTCCTCCGCAAGCACCTGCGTCCAAGCAGCACCCACCGGCTCAGGCACTGCCTGGGGAC-3'
Protein context (NP_004095.4, residues 1851-1871): KVVVQVLAEE[Pro1861Leu]EAVLKGAKPK

ClinVar aggregate classification (germline): Uncertain significance. Review status: criteria provided, multiple submitters, no conflicts (2 of 4 stars). 2 submissions from 2 submitters: Uncertain significance (2). Last evaluated 2025-04-30.

Conditions:
Epileptic encephalopathy. Identifiers: MedGen C0543888, HP:0200134.

Allele frequency attached by ClinVar (database versions not stated): ExAC 0.00002; TOPMed 0.00002; gnomAD 0.00003 and 0.00004; gnomAD exomes 0.00003 and 0.00004.
gnomAD v4.1: 62 of 1,610,432 alleles (0.0038%); highest among the groups gnomAD compares: Middle Eastern, 0.016%; no homozygotes.

Submissions (2):

Ambry Genetics
Classification: Uncertain significance. Last evaluated: 2025-04-30. Review status: criteria provided, single submitter. Criteria: Ambry Variant Classification Scheme 2023. Collection method: clinical testing. Allele origin: germline.

Labcorp Genetics (formerly Invitae), Labcorp
Classification: Uncertain significance for Epileptic encephalopathy. Last evaluated: 2024-02-02. Review status: criteria provided, single submitter. Criteria: Invitae Variant Classification Sherloc (09022015). Collection method: clinical testing. Allele origin: germline.
Comment: This sequence change replaces proline, which is neutral and non-polar, with leucine, which is neutral and non-polar, at codon 1861 of the FASN protein (p.Pro1861Leu). This variant is present in population databases (rs756983531, gnomAD 0.01%). This variant has not been reported in the literature in individuals affected with FASN-related conditions. ClinVar contains an entry for this variant (Variation ID: 998841). An algorithm developed to predict the effect of missense changes on protein structure and function (PolyPhen-2) suggests that this variant is likely to be tolerated. In summary, the available evidence is currently insufficient to determine the role of this variant in disease. Therefore, it has been classified as a Variant of Uncertain Significance.